The following is an entry in ClinVar:

ClinVar aggregate classification (germline): Conflicting classifications of pathogenicity. Review status: criteria provided, conflicting classifications (1 of 4 stars). 4 submissions from 4 submitters: Uncertain significance (1); Benign (1); Likely benign (2). Last evaluated 2025-12-15.

Conditions:
Usher syndrome type 3B. Also called: USHER SYNDROME, TYPE IIIB. Identifiers: MedGen C3281066, MONDO:0013788, OMIM 614504.

Allele frequency attached by ClinVar (database versions not stated): ESP Exome Variant Server 0.00023.
gnomAD v4.1: 61 of 1,614,050 alleles (0.0038%); highest among the groups gnomAD compares: African/African-American, 0.075%; no homozygotes.

Submissions (4):

Labcorp Genetics (formerly Invitae), Labcorp
Classification: Likely benign for Usher syndrome type 3B. Last evaluated: 2025-12-15. Review status: criteria provided, single submitter. Criteria: Invitae Variant Classification Sherloc (09022015). Collection method: clinical testing. Allele origin: germline.

Blueprint Genetics
Classification: Benign. Last evaluated: 2022-05-05. Review status: criteria provided, single submitter. Criteria: ACMG Guidelines, 2015. Collection method: clinical testing. Allele origin: germline.

GeneDx
Classification: Uncertain significance. Last evaluated: 2019-12-31. Review status: criteria provided, single submitter. Criteria: GeneDx Variant Classification Process June 2021. Collection method: clinical testing. Allele origin: germline. Affected: yes.
Comment: In silico analysis, which includes protein predictors and evolutionary conservation, supports a deleterious effect; Has not been previously published as pathogenic or benign to our knowledge

Ambry Genetics
Classification: Likely benign. Last evaluated: 2019-12-20. Review status: criteria provided, single submitter. Criteria: Ambry Variant Classification Scheme 2023. Collection method: clinical testing. Allele origin: germline.

NM_002109.6(HARS1):c.1445C>G (p.Thr482Arg)

Gene: HARS1 (histidyl-tRNA synthetase 1; minus strand). Cytogenetic location: 5q31.3.
Variant type: single nucleotide variant.
Coding change: c.1445C>G on transcript NM_002109.6 (MANE Select); coding-DNA position 1445, C replaced by G.
Protein change: p.Thr482Arg; replaces threonine 482 with arginine.
Molecular consequence: missense variant.
Genome position (GRCh38, 1-based): chr5:140,674,692, G>C on the plus strand (C>G on the coding strand, the complement: HARS1 is on the minus strand). VCF-style: chr5-140674692-G-C. GRCh37 (hg19) VCF-style: chr5-140054277-G-C.
Other names: c.1325C>G, p.Thr442Arg (NM_001258040.3); c.1385C>G, p.Thr462Arg (NM_001258041.3); c.1265C>G, p.Thr422Arg (NM_001258042.3); c.1223C>G, p.Thr408Arg (NM_001289092.2); c.1103C>G, p.Thr368Arg (NM_001289093.2); c.1358C>G, p.Thr453Arg (NM_001289094.2); short protein forms T368R, T408R, T422R, T442R, T453R, T462R, T482R.
Identifiers: ClinVar variation 1091017 (VCV001091017.13), dbSNP rs147372931, ClinGen allele CA3443820.